The following is an entry in ClinVar:

Conditions:
Breast-ovarian cancer, familial, susceptibility to, 1 (BROVCA1). Also called: BRCA1 Hereditary Breast and Ovarian Cancer; OVARIAN CANCER, SUSCEPTIBILITY TO. Identifiers: Orphanet 145, MedGen C2676676, MONDO:0011450, OMIM 604370. Disease mechanism: loss of function.

Submission:

Brotman Baty Institute, University of Washington
No classification provided (evidence only). Condition: Breast-ovarian cancer, familial 1. Review status: no classification provided. Collection method: in vitro. Allele origin: not applicable. Functional consequence: functionally_normal.
ClinVar note: "not provided" was previously submitted as the classification for the variant. However, the classification appeared to be based only on an observation of functional data so it was converted to no classification on 2025-07-30.

NM_007294.4(BRCA1):c.5239C>A (p.Gln1747Lys)

Gene: BRCA1 (BRCA1 DNA repair associated; minus strand). Cytogenetic location: 17q21.31.
Variant type: single nucleotide variant.
Coding change: c.5239C>A on transcript NM_007294.4 (MANE Select); coding-DNA position 5239, C replaced by A.
Protein change: p.Gln1747Lys; replaces glutamine 1747 with lysine.
Molecular consequence: missense variant. On other transcripts: non-coding transcript variant (1).
Genome position (GRCh38, 1-based): chr17:43,057,090, G>T on the plus strand (C>A on the coding strand, the complement: BRCA1 is on the minus strand). VCF-style: chr17-43057090-G-T. GRCh37 (hg19) VCF-style: chr17-41209107-G-T.
Other names: c.5026C>A, p.Gln1676Lys (NM_001407571.1, NM_001407900.1, NM_001407902.1 and 12 more transcripts); c.5305C>A, p.Gln1769Lys (NM_001407581.1, NM_001407582.1); c.5302C>A, p.Gln1768Lys (NM_001407583.1, NM_001407585.1, NM_001407587.1 and 1 more transcripts); c.5236C>A, p.Gln1746Lys (NM_001407610.1, NM_001407611.1, NM_001407612.1 and 17 more transcripts); c.5233C>A, p.Gln1745Lys (NM_001407629.1, NM_001407630.1, NM_001407631.1 and 14 more transcripts); c.5179C>A, p.Gln1727Lys (NM_001407649.1); c.5161C>A, p.Gln1721Lys (NM_001407652.1, NM_001407653.1, NM_001407654.1 and 1 more transcripts); c.5158C>A, p.Gln1720Lys (NM_001407656.1, NM_001407657.1, NM_001407658.1); and 72 more; short protein forms Q1747K, Q1700K, Q1768K, Q643K, Q562K, Q572K, Q573K, Q577K.
Identifiers: ClinVar variation 867264 (VCV000867264.3), dbSNP rs80357367, ClinGen allele CA10591064.